The following is an entry in ClinVar:

NM_000083.3(CLCN1):c.2285-1G>C

Gene: CLCN1 (chloride voltage-gated channel 1; plus strand). Cytogenetic location: 7q34.
Variant type: single nucleotide variant.
Coding change: c.2285-1G>C on transcript NM_000083.3 (MANE Select); the canonical splice acceptor site of the intron before coding-DNA position 2285, G replaced by C.
Molecular consequence: splice acceptor variant.
Genome position (GRCh38, 1-based): chr7:143,346,578, G>C. VCF-style: chr7-143346578-G-C. GRCh37 (hg19) VCF-style: chr7-143043671-G-C.
Identifiers: ClinVar variation 573366 (VCV000573366.10), dbSNP rs1222525763, ClinGen allele CA369652182.

ClinVar aggregate classification (germline): Pathogenic (1 of 4 stars; one submission).

Conditions:
Congenital myotonia, autosomal dominant form (THD). Also called: THOMSEN DISEASE; Myotonia congenita autosomal dominant. Identifiers: Orphanet 614, MedGen C2936781, MONDO:0008055, OMIM 160800.
Congenital myotonia, autosomal recessive form. Also called: BECKER DISEASE; Becker Generalized Myotonia; myotonia congenita, autosomal recessive. Identifiers: Orphanet 614, MedGen C0751360, MONDO:0009715, OMIM 255700.

Submission:

Labcorp Genetics (formerly Invitae), Labcorp
Classification: Pathogenic for Congenital myotonia, autosomal recessive form; Congenital myotonia, autosomal dominant form. Last evaluated: 2018-07-10. Review status: criteria provided, single submitter. Criteria: Invitae Variant Classification Sherloc (09022015). Collection method: clinical testing. Allele origin: germline.
Comment: For these reasons, this variant has been classified as Pathogenic. Donor and acceptor splice site variants typically lead to a loss of protein function (PMID: 16199547), and loss-of-function variants in CLCN1 are known to be pathogenic (PMID: 17932099, 22094069, 23739125). Algorithms developed to predict the effect of sequence changes on RNA splicing suggest that this variant may disrupt the consensus splice site, but this prediction has not been confirmed by published transcriptional studies. This finding is consistent with autosomal recessive inheritance, and suggests that this variant contributes to disease. This variant is not present in population databases (ExAC no frequency). This sequence change affects an acceptor splice site in intron 18 of the CLCN1 gene. It is expected to disrupt RNA splicing and likely results in an absent or disrupted protein product.

Literature cited by the submitters: PubMed 16199547; PubMed 17932099; PubMed 22094069; PubMed 23739125.